The following is an entry in ClinVar:

ClinVar aggregate classification (germline): Uncertain significance (1 of 4 stars; one submission).

gnomAD v4.1: 24 of 1,614,056 alleles (0.0015%); highest among the groups gnomAD compares: South Asian, 0.019%; no homozygotes.

Submission:

Labcorp Genetics (formerly Invitae), Labcorp
Classification: Uncertain significance. Last evaluated: 2024-02-24. Review status: criteria provided, single submitter. Criteria: Invitae Variant Classification Sherloc (09022015). Collection method: clinical testing. Allele origin: germline.
Comment: This sequence change replaces valine, which is neutral and non-polar, with leucine, which is neutral and non-polar, at codon 198 of the ASAH1 protein (p.Val198Leu). This variant is present in population databases (rs151320126, gnomAD 0.02%). This variant has not been reported in the literature in individuals affected with ASAH1-related conditions. ClinVar contains an entry for this variant (Variation ID: 1370182). Advanced modeling of protein sequence and biophysical properties (such as structural, functional, and spatial information, amino acid conservation, physicochemical variation, residue mobility, and thermodynamic stability) performed at Invitae indicates that this missense variant is not expected to disrupt ASAH1 protein function with a negative predictive value of 80%. In summary, the available evidence is currently insufficient to determine the role of this variant in disease. Therefore, it has been classified as a Variant of Uncertain Significance.

NM_177924.5(ASAH1):c.592G>C (p.Val198Leu)

Gene: ASAH1 (N-acylsphingosine amidohydrolase 1; minus strand). Cytogenetic location: 8p22.
Variant type: single nucleotide variant.
Coding change: c.592G>C on transcript NM_177924.5 (MANE Select); coding-DNA position 592, G replaced by C.
Protein change: p.Val198Leu; replaces valine 198 with leucine.
Molecular consequence: missense variant.
Genome position (GRCh38, 1-based): chr8:18,062,335, C>G on the plus strand (G>C on the coding strand, the complement: ASAH1 is on the minus strand). VCF-style: chr8-18062335-C-G. GRCh37 (hg19) VCF-style: chr8-17919844-C-G.
Other names: c.574G>C, p.Val192Leu (NM_001127505.3); c.397G>C, p.Val133Leu (NM_001363743.2); c.640G>C, p.Val214Leu (NM_004315.6); short protein forms V214L, V198L, V133L, V192L.
Identifiers: ClinVar variation 1370182 (VCV001370182.4), dbSNP rs151320126, ClinGen allele CA4650775.